The following is an entry in ClinVar:

ClinVar aggregate classification (germline): Likely benign (1 of 4 stars; one submission).

gnomAD v4.1: 1 of 1,613,386 alleles (0.000062%); highest among the groups gnomAD compares: Non-Finnish European, 0.000085%; no homozygotes.

Submission:

Women's Health and Genetics/Laboratory Corporation of America, LabCorp
Classification: Likely benign. Last evaluated: 2025-10-30. Review status: criteria provided, single submitter. Criteria: LabCorp Variant Classification Summary - May 2015. Collection method: clinical testing. Allele origin: germline.
Comment: Variant summary: COL5A1 c.255A>T alters a conserved nucleotide resulting in a synonymous change. Consensus agreement among computation tools predict no significant impact on normal splicing. However, these predictions have yet to be confirmed by functional studies. The variant was absent in 251008 control chromosomes. The available data on variant occurrences in the general population are insufficient to allow any conclusion about variant significance. To our knowledge, no occurrence of c.255A>T in individuals affected with COL5A1-related conditions and no experimental evidence demonstrating its impact on protein function have been reported. No submitters have cited clinical-significance assessments for this variant to ClinVar. Based on the evidence outlined above, the variant was classified as likely benign.

NM_000093.5(COL5A1):c.255A>T (p.Ala85=)

Gene: COL5A1 (collagen type V alpha 1 chain; plus strand). Cytogenetic location: 9q34.3.
Variant type: single nucleotide variant.
Coding change: c.255A>T on transcript NM_000093.5 (MANE Select); coding-DNA position 255, A replaced by T.
Protein change: p.Ala85=; no amino-acid change (alanine 85 retained).
Molecular consequence: synonymous variant.
Genome position (GRCh38, 1-based): chr9:134,691,057, A>T. VCF-style: chr9-134691057-A-T. GRCh37 (hg19) VCF-style: chr9-137582903-A-T.
Other names: c.255A>T, p.Ala85= (NM_001278074.1).
Identifiers: ClinVar variation 4687338 (VCV004687338.1).
Genomic context (GRCh38, chr9:134,691,057, plus strand): 5'-GCGATCTTCCAAAGGCCCGGATGTCGCTTACAGAGTCACCAAAGACGCGCAGCTCAGCGC[A>T]CCCACCAAGCAGCTGTACCCTGGTAAGTGCCGCACCCTTCTGTTTGGGGCGGTGGGTCCC-3'
Protein context (NP_000084.3, residues 75-95): YRVTKDAQLS[Ala85=]PTKQLYPASA